The following is an entry in ClinVar:

NM_006343.3(MERTK):c.1444G>A (p.Ala482Thr)

Gene: MERTK (MER proto-oncogene, tyrosine kinase; plus strand). Cytogenetic location: 2q13.
Variant type: single nucleotide variant.
Coding change: c.1444G>A on transcript NM_006343.3 (MANE Select); coding-DNA position 1444, G replaced by A.
Protein change: p.Ala482Thr; replaces alanine 482 with threonine.
Molecular consequence: missense variant.
Genome position (GRCh38, 1-based): chr2:111,994,398, G>A. VCF-style: chr2-111994398-G-A. GRCh37 (hg19) VCF-style: chr2-112751975-G-A.
Other names: short protein forms A482T.
Identifiers: ClinVar variation 1929106 (VCV001929106.6), dbSNP rs374488598, ClinGen allele CA1831386.

ClinVar aggregate classification (germline): Uncertain significance (1 of 4 stars; one submission).

Allele frequency attached by ClinVar (database versions not stated): gnomAD exomes 0.00001; TOPMed 0.00003; gnomAD 0.00001; ExAC 0.00002; ESP Exome Variant Server 0.00008.

Submission:

Labcorp Genetics (formerly Invitae), Labcorp
Classification: Uncertain significance. Last evaluated: 2022-02-18. Review status: criteria provided, single submitter. Criteria: Invitae Variant Classification Sherloc (09022015). Collection method: clinical testing. Allele origin: germline.
Comment: This sequence change replaces alanine, which is neutral and non-polar, with threonine, which is neutral and polar, at codon 482 of the MERTK protein (p.Ala482Thr). This variant is present in population databases (rs374488598, gnomAD 0.0009%). This variant has not been reported in the literature in individuals affected with MERTK-related conditions. Algorithms developed to predict the effect of missense changes on protein structure and function output the following: SIFT: "Tolerated"; PolyPhen-2: "Benign"; Align-GVGD: "Class C0". The threonine amino acid residue is found in multiple mammalian species, which suggests that this missense change does not adversely affect protein function. In summary, the available evidence is currently insufficient to determine the role of this variant in disease. Therefore, it has been classified as a Variant of Uncertain Significance.